The following is an entry in ClinVar:

ClinVar aggregate classification (germline): Uncertain significance (1 of 4 stars; one submission).

Conditions:
Joubert syndrome 8 (JBTS8). Identifiers: Orphanet 475, MedGen C2676771, MONDO:0012855, OMIM 612291.

Allele frequency attached by ClinVar (database versions not stated): gnomAD 0.00001; TOPMed 0.00001.
gnomAD v4.1: 1 of 1,613,512 alleles (0.000062%); highest among the groups gnomAD compares: Admixed American, 0.0017%; no homozygotes.

Submission:

Labcorp Genetics (formerly Invitae), Labcorp
Classification: Uncertain significance for Joubert syndrome 8. Last evaluated: 2020-09-18. Review status: criteria provided, single submitter. Criteria: Invitae Variant Classification Sherloc (09022015). Collection method: clinical testing. Allele origin: germline.
Comment: In summary, the available evidence is currently insufficient to determine the role of this variant in disease. Therefore, it has been classified as a Variant of Uncertain Significance. Algorithms developed to predict the effect of missense changes on protein structure and function are either unavailable or do not agree on the potential impact of this missense change (SIFT: "Deleterious"; PolyPhen-2: "Probably Damaging"; Align-GVGD: "Class C0"). This variant has not been reported in the literature in individuals with ARL13B-related conditions. This variant is not present in population databases (ExAC no frequency). This sequence change replaces aspartic acid with asparagine at codon 71 of the ARL13B protein (p.Asp71Asn). The aspartic acid residue is highly conserved and there is a small physicochemical difference between aspartic acid and asparagine.

NM_001174150.2(ARL13B):c.211G>A (p.Asp71Asn)

Gene: ARL13B (ARF like GTPase 13B; plus strand). Cytogenetic location: 3q11.2.
Variant type: single nucleotide variant.
Coding change: c.211G>A on transcript NM_001174150.2 (MANE Select); coding-DNA position 211, G replaced by A.
Protein change: p.Asp71Asn; replaces aspartic acid 71 with asparagine.
Molecular consequence: missense variant. On other transcripts: 5 prime UTR variant (1), intron variant (1).
Genome position (GRCh38, 1-based): chr3:94,003,739, G>A. VCF-style: chr3-94003739-G-A. GRCh37 (hg19) VCF-style: chr3-93722583-G-A.
Other names: c.-99G>A (NM_001174151.2); c.166G>A, p.Asp56Asn (NM_001321328.2); c.211G>A, p.Asp71Asn (NM_182896.3); c.59+23257G>A (NM_144996.4); short protein forms D56N, D71N.
Identifiers: ClinVar variation 1001546 (VCV001001546.5), dbSNP rs2076089782, ClinGen allele CA353675476.
Genomic context (GRCh38, chr3:94,003,739, plus strand): 5'-CCTACTGTTGGATTTTCAAAAATTAACCTTAGACAAGGAAAGTTTGAAGTCACCATCTTT[G>A]ACTTGGGAGGTGGAATAAGAATTCGGGGAATCTGGAAGAATTACTATGCTGAATCCTATG-3'
Protein context (NP_001167621.1, residues 61-81): RQGKFEVTIF[Asp71Asn]LGGGIRIRGI